The following is an entry in ClinVar:

NM_015046.7(SETX):c.64G>T (p.Ala22Ser)

Gene: SETX (senataxin; minus strand). Cytogenetic location: 9q34.13.
Variant type: single nucleotide variant.
Coding change: c.64G>T on transcript NM_015046.7 (MANE Select); coding-DNA position 64, G replaced by T.
Protein change: p.Ala22Ser; replaces alanine 22 with serine.
Molecular consequence: missense variant.
Genome position (GRCh38, 1-based): chr9:132,349,365, C>A on the plus strand (G>T on the coding strand, the complement: SETX is on the minus strand). VCF-style: chr9-132349365-C-A. GRCh37 (hg19) VCF-style: chr9-135224752-C-A.
Other names: c.64G>T, p.Ala22Ser (NM_001351527.2, NM_001351528.2); short protein forms A22S.
Identifiers: ClinVar variation 536392 (VCV000536392.1), dbSNP rs756600708, ClinGen allele CA375352034.

ClinVar aggregate classification (germline): Uncertain significance (1 of 4 stars; one submission).

Conditions:
Amyotrophic lateral sclerosis type 4 (ALS4). Also called: AMYOTROPHIC LATERAL SCLEROSIS 4, JUVENILE; NEURONOPATHY, DISTAL HEREDITARY MOTOR, WITH PYRAMIDAL FEATURES. Identifiers: Orphanet 357043, MedGen C1865409, MONDO:0011223, OMIM 602433.
Spinocerebellar ataxia, autosomal recessive, with axonal neuropathy 2 (SCAN2). Also called: ATAXIA-OCULOMOTOR APRAXIA 2; Ataxia-ocular apraxia-2; Ataxia with Oculomotor Apraxia Type 2; Ataxia with Oculomotor Apraxia. Identifiers: Orphanet 64753, MedGen C1853761, MONDO:0018996, OMIM 606002.

Submission:

Labcorp Genetics (formerly Invitae), Labcorp
Classification: Uncertain significance for Amyotrophic lateral sclerosis type 4; Spinocerebellar ataxia, autosomal recessive, with axonal neuropathy 2. Last evaluated: 2017-12-29. Review status: criteria provided, single submitter. Criteria: Invitae Variant Classification Sherloc (09022015). Collection method: clinical testing. Allele origin: germline.
Comment: This sequence change replaces alanine with serine at codon 22 of the SETX protein (p.Ala22Ser). The alanine residue is moderately conserved and there is a moderate physicochemical difference between alanine and serine. This variant is not present in population databases (ExAC no frequency). This variant has not been reported in the literature in individuals with SETX-related disease. Algorithms developed to predict the effect of missense changes on protein structure and function do not agree on the potential impact of this missense change (SIFT: "Tolerated"; PolyPhen-2: "Probably Damaging"; Align-GVGD: "Class C0"). In summary, the available evidence is currently insufficient to determine the role of this variant in disease. Therefore, it has been classified as a Variant of Uncertain Significance.